The following is an entry in ClinVar:

NM_181703.4(GJA5):c.700A>T (p.Ile234Phe)

Genes: GJA5 (gap junction protein alpha 5; minus strand), LOC122128420 (Sharpr-MPRA regulatory region 3144; plus strand). Cytogenetic location: 1q21.2.
Variant type: single nucleotide variant.
Coding change: c.700A>T on transcript NM_181703.4 (MANE Select); coding-DNA position 700, A replaced by T.
Protein change: p.Ile234Phe; replaces isoleucine 234 with phenylalanine.
Molecular consequence: missense variant.
Genome position (GRCh38, 1-based): chr1:147,758,539, T>A on the plus strand (A>T on the coding strand, the complement: GJA5 is on the minus strand). VCF-style: chr1-147758539-T-A. GRCh37 (hg19) VCF-style: chr1-147230647-T-A.
Other names: c.700A>T, p.Ile234Phe (NM_005266.7); short protein forms I234F.
Identifiers: ClinVar variation 1357441 (VCV001357441.8), dbSNP rs2148959007, ClinGen allele CA342395017.

ClinVar aggregate classification (germline): Uncertain significance (1 of 4 stars; one submission).

Conditions:
Atrial fibrillation, familial, 11 (ATFB11). Identifiers: MedGen C3279693, MONDO:0013544, OMIM 614049.
Atrial standstill 1 (ATRST1). Also called: ATRIAL CARDIOMYOPATHY WITH HEART BLOCK; CARDIOMYOPATHY, FAMILIAL, WITH CONDUCTION DISTURBANCE; Atrial standstill, digenic (GJA5/SCN5A). Identifiers: Orphanet 1344, MedGen C4551959, MONDO:0007171, OMIM 108770.

Submission:

Labcorp Genetics (formerly Invitae), Labcorp
Classification: Uncertain significance for Atrial fibrillation, familial, 11; Atrial standstill 1. Last evaluated: 2024-02-23. Review status: criteria provided, single submitter. Criteria: Invitae Variant Classification Sherloc (09022015). Collection method: clinical testing. Allele origin: germline.
Comment: This sequence change replaces isoleucine, which is neutral and non-polar, with phenylalanine, which is neutral and non-polar, at codon 234 of the GJA5 protein (p.Ile234Phe). This variant is not present in population databases (gnomAD no frequency). This variant has not been reported in the literature in individuals affected with GJA5-related conditions. ClinVar contains an entry for this variant (Variation ID: 1357441). Advanced modeling of protein sequence and biophysical properties (such as structural, functional, and spatial information, amino acid conservation, physicochemical variation, residue mobility, and thermodynamic stability) performed at Invitae indicates that this missense variant is not expected to disrupt GJA5 protein function with a negative predictive value of 80%. In summary, the available evidence is currently insufficient to determine the role of this variant in disease. Therefore, it has been classified as a Variant of Uncertain Significance.